The following is an entry in ClinVar:

NM_004281.4(BAG3):c.652C>T (p.Arg218Trp)

Gene: BAG3 (BAG cochaperone 3; plus strand). Cytogenetic location: 10q26.11.
Variant type: single nucleotide variant.
Coding change: c.652C>T on transcript NM_004281.4 (MANE Select); coding-DNA position 652, C replaced by T.
Protein change: p.Arg218Trp; replaces arginine 218 with tryptophan.
Molecular consequence: missense variant.
Genome position (GRCh38, 1-based): chr10:119,672,399, C>T. VCF-style: chr10-119672399-C-T. GRCh37 (hg19) VCF-style: chr10-121431911-C-T.
Other names: short protein forms R218W.
Identifiers: ClinVar variation 39464 (VCV000039464.33), dbSNP rs397514506, ClinGen allele CA261129.

ClinVar aggregate classification (germline): Conflicting classifications of pathogenicity. Review status: criteria provided, conflicting classifications (1 of 4 stars). 8 submissions from 8 submitters: Uncertain significance (6); Likely benign (1). 1 of the submissions does not count toward it. Last evaluated 2026-01-22.

Conditions:
Cardiovascular phenotype. Identifiers: MedGen CN230736.
Familial isolated arrhythmogenic right ventricular dysplasia. Identifiers: Orphanet 217656, MedGen C4274968, MONDO:0016342.
Dilated cardiomyopathy 1HH (CMD1HH). Identifiers: Orphanet 154, MedGen C3151293, MONDO:0013479, OMIM 613881.
Myofibrillar myopathy 6. Identifiers: Orphanet 199340, MedGen C2751831, MONDO:0013061, OMIM 612954.

Allele frequency attached by ClinVar (database versions not stated): TOPMed 0.00006; ExAC 0.00007; gnomAD exomes 0.00008 and 0.00005; gnomAD 0.00004 and 0.00006.

Submissions (8):

Labcorp Genetics (formerly Invitae), Labcorp
Classification: Likely benign for Dilated cardiomyopathy 1HH; Myofibrillar myopathy 6. Last evaluated: 2026-01-22. Review status: criteria provided, single submitter. Criteria: Invitae Variant Classification Sherloc (09022015). Collection method: clinical testing. Allele origin: germline.

Ambry Genetics
Classification: Uncertain significance for Cardiovascular phenotype. Last evaluated: 2024-12-20. Review status: criteria provided, single submitter. Criteria: Ambry Variant Classification Scheme 2023. Collection method: clinical testing. Allele origin: germline.
Comment: The p.R218W variant (also known as c.652C>T), located in coding exon 3 of the BAG3 gene, results from a C to T substitution at nucleotide position 652. The arginine at codon 218 is replaced by tryptophan, an amino acid with dissimilar properties. This alteration was shown to disrupt Z-disc assembly in cultured cells; however, the physiological relevance of this finding is uncertain (Arimura T et al. Hum. Mutat., 2011 Dec;32:1481-91). This variant was also detected in a individual with skeletal muscle weakness, and in a stillbirth case where it co-occurred with a variant in a different cardiac-related gene (Wu L et al. Can J Neurol Sci. 2018 05;45(3):262-268; Sahlin E et al. PLoS ONE. 2019 Jan;14(1):e0210017). This variant has also been detected in a cohorts not selected for the presence of disease; however, clinical details were limited (Ng D et al. Circ Cardiovasc Genet, 2013 Aug;6:337-46; Kars ME et al. Proc Natl Acad Sci U S A. 2021 09;118(36)). This amino acid position is well conserved in available vertebrate species. In addition, this alteration is predicted to be deleterious by in silico analysis. Since supporting evidence is limited at this time, the clinical significance of this alteration remains unclear.

GeneDx
Classification: Uncertain significance. Last evaluated: 2024-05-15. Review status: criteria provided, single submitter. Criteria: GeneDx Variant Classification Process June 2021. Collection method: clinical testing. Allele origin: germline. Affected: yes.
Comment: Reported previously in a patient with DCM and in a patient with muscle disease in the published literature (PMID: 23861362, 29382405); Published functional studies suggest a damaging effect by impairing Z-disc assembly and increasing sensitivity to apoptosis (PMID: 21898660); In silico analysis supports that this missense variant has a deleterious effect on protein structure/function; This variant is associated with the following publications: (PMID: 29382405, 34426522, 32093037, 30615648, 33658040, 21898660, 23861362, 37216087)

Fulgent Genetics
Classification: Uncertain significance for Myofibrillar myopathy 6; Dilated cardiomyopathy 1HH. Last evaluated: 2024-01-03. Review status: criteria provided, single submitter. Criteria: ACMG Guidelines, 2015. Collection method: clinical testing. Allele origin: germline.

Revvity Omics, Revvity
Classification: Uncertain significance. Last evaluated: 2023-06-15. Review status: criteria provided, single submitter. Criteria: ACMG Guidelines, 2015. Collection method: clinical testing. Allele origin: germline.

Clinical Genetics Laboratory, Skane University Hospital Lund
Classification: Uncertain significance. Last evaluated: 2022-05-27. Review status: criteria provided, single submitter. Criteria: ACMG Guidelines, 2015. Collection method: clinical testing. Allele origin: germline. Affected: yes.

Biesecker Lab/Clinical Genomics Section, National Institutes of Health
Classification: Uncertain significance for Cardiomyopathy, arrhythmogenic right ventricular dysplasia. Last evaluated: 2018-04-05. Review status: criteria provided, single submitter. Criteria: ACMG Guidelines, 2015. Collection method: research. Allele origin: unknown. Affected: no. Observed: 1 variant allele.
Comment: The study set was not selected for affection status in relation to arrhythmia or cardiomyopathy. Pathogenicity categories were based on literature curation. See Pubmed ID:25741868 for details.

Medical sequencing

OMIM
Classification: Pathogenic for CARDIOMYOPATHY, DILATED, 1HH. Last evaluated: 2011-12-01. Review status: no assertion criteria provided. Collection method: literature only. Allele origin: germline. Not counted in ClinVar's aggregate classification.

Literature cited by the submitters: PubMed 21898660 (cited by Ambry Genetics and OMIM); PubMed 23861362 (cited by Ambry Genetics); PubMed 29382405 (cited by Ambry Genetics); PubMed 30615648 (cited by Ambry Genetics); PubMed 33658040 (cited by Ambry Genetics); PubMed 34426522 (cited by Ambry Genetics).